The following is an entry in ClinVar:

ClinVar aggregate classification (germline): Uncertain significance (1 of 4 stars; one submission).

Conditions:
Cortical dysplasia, complex, with other brain malformations 9. Identifiers: MedGen C4748540, MONDO:0032578, OMIM 618174.

Allele frequency attached by ClinVar (database versions not stated): ExAC 0.00001; gnomAD exomes 0.00001; TOPMed 0.00001.
gnomAD v4.1: 3 of 1,610,942 alleles (0.00019%); highest among the groups gnomAD compares: East Asian, 0.0067%; no homozygotes.

Submission:

Victorian Clinical Genetics Services, Murdoch Childrens Research Institute
Classification: Uncertain significance for Cortical dysplasia, complex, with other brain malformations 9. Last evaluated: 2020-07-02. Review status: criteria provided, single submitter. Criteria: ACMG Guidelines, 2015. Collection method: clinical testing. Allele origin: germline. Inheritance: Autosomal recessive inheritance.
Comment: Based on the classification scheme VCGS_Germline_v1.3.2, this variant is classified as VUS - 3B. Following criteria are met: 0102 - Loss of function is a known mechanism of disease in this gene and is associated with cortical dysplasia, complex, with other brain malformations 9. (I) 0106 - This gene is associated with autosomal recessive disease. (I) 0202 - Variant is predicted to cause nonsense-mediated decay (NMD) and loss of protein (premature termination codon is located at least 54 nucleotides upstream of the final exon-exon junction), but is located in an exon that may undergo alternative splicing. (I) 0219 - This variant is non-coding in an alternative transcript. This variant is protein coding in only a single RefSeq transcript (NM_001282599.1). No pathogenic variants have been found to be exclusive in this transcript (Pubmed) and evidence suggests it is poorly expressed (GTex). (I) 0251 - This variant is heterozygous. (I) 0304 - Variant is present in gnomAD v2 <0.01 for a recessive condition (4 heterozygotes, 0 homozygotes). (SP) 0703 - Other NMD-predicted variants comparable to the one identified in this case have moderate previous evidence for pathogenicity (ClinVar, PMID: 30013181). However none of these variants are expressed exclusively in transcript NM_001282599.1. (I) 0807 - This variant has no previous evidence of pathogenicity. (I) 0905 - No published segregation evidence has been identified for this variant. (I) 1007 - No published functional evidence has been identified for this variant. (I) 1208 - Inheritance information for this variant is not currently available in this individual. (I) Legend: (SP) - Supporting pathogenic, (I) - Information, (SB) - Supporting benign

Literature cited by the submitters: PubMed 30013181.

NM_001282597.3(CTNNA2):c.1057-79639G>A

Gene: CTNNA2 (catenin alpha 2; plus strand). Cytogenetic location: 2p12.
Variant type: single nucleotide variant.
Coding change: c.1057-79639G>A on transcript NM_001282597.3 (MANE Select); 79639 bases into the intron before coding-DNA position 1057, G replaced by A.
Molecular consequence: intron variant. On other transcripts: nonsense (1).
Genome position (GRCh38, 1-based): chr2:80,313,572, G>A. VCF-style: chr2-80313572-G-A. GRCh37 (hg19) VCF-style: chr2-80540697-G-A.
Other names: c.11G>A, p.Trp4Ter (NM_001282599.2); c.1057-79639G>A (NM_001399737.1, NM_004389.4, NM_001164883.2); c.1159-79639G>A (NM_001282598.2); c.-49+8249G>A (NM_001320810.2, NM_001282600.2); short protein forms W4*.
Identifiers: ClinVar variation 1805103 (VCV001805103.1), dbSNP rs770391276, ClinGen allele CA1735488.
Genomic context (GRCh38, chr2:80,313,572, plus strand): 5'-TCTAGCTAATTGAGCAAGACCAGGTAGAGGAAGGAAGACGAATTGACCAGATGGATGGAT[G>A]GAGAAGGCCACTCCAGTCAGTAGGCAAAGTCTGTGAAAAAAATATGAAGACTTCTGAGAT-3'